The following is an entry in ClinVar:

ClinVar aggregate classification (germline): Conflicting classifications of pathogenicity. Review status: criteria provided, conflicting classifications (1 of 4 stars). 5 submissions from 5 submitters: Uncertain significance (1); Benign (1); Likely benign (3). Last evaluated 2025-10-06.

Conditions:
Hereditary cancer-predisposing syndrome. Also called: Neoplastic Syndromes, Hereditary; Hereditary neoplastic syndrome; Tumor predisposition; Hereditary Cancer Syndrome. Identifiers: Orphanet 140162, MedGen C0027672, MeSH D009386, MONDO:0015356.
Tuberous sclerosis 2 (TSC2). Identifiers: Orphanet 805, MedGen C1860707, MONDO:0013199, OMIM 613254.

Allele frequency attached by ClinVar (database versions not stated): gnomAD exomes below 0.00001 and 0.00001.
gnomAD v4.1: 4 of 1,612,768 alleles (0.00025%); highest among the groups gnomAD compares: East Asian, 0.0045%; no homozygotes.

Submissions (5):

Labcorp Genetics (formerly Invitae), Labcorp
Classification: Benign for Tuberous sclerosis 2. Last evaluated: 2025-10-06. Review status: criteria provided, single submitter. Criteria: Invitae Variant Classification Sherloc (09022015). Collection method: clinical testing. Allele origin: germline.

Myriad Genetics, Inc.
Classification: Likely benign for Tuberous sclerosis 2. Last evaluated: 2024-08-16. Review status: criteria provided, single submitter. Criteria: Myriad Autosomal Dominant, Autosomal Recessive and X-Linked Classification Criteria (2023). Collection method: clinical testing. Allele origin: unknown.
Comment: This variant is considered likely benign. This variant has been observed at a population frequency that is significantly greater than expected given the associated disease prevalence and penetrance.

Ambry Genetics
Classification: Uncertain significance for Hereditary cancer-predisposing syndrome. Last evaluated: 2024-02-16. Review status: criteria provided, single submitter. Criteria: Ambry Variant Classification Scheme 2023. Collection method: clinical testing. Allele origin: germline.
Comment: The p.A1185V variant (also known as c.3554C>T), located in coding exon 29 of the TSC2 gene, results from a C to T substitution at nucleotide position 3554. The alanine at codon 1185 is replaced by valine, an amino acid with similar properties. This amino acid position is well conserved in available vertebrate species. In addition, the in silico prediction for this alteration is inconclusive. Since supporting evidence is limited at this time, the clinical significance of this alteration remains unclear.

Genome-Nilou Lab
Classification: Likely benign for Tuberous sclerosis 2. Last evaluated: 2021-11-07. Review status: criteria provided, single submitter. Criteria: ACMG Guidelines, 2015. Collection method: clinical testing. Allele origin: germline. Affected: no.

GeneDx
Classification: Likely benign. Last evaluated: 2016-03-29. Review status: criteria provided, single submitter. Criteria: GeneDx Variant Classification (06012015). Collection method: clinical testing. Allele origin: germline. Affected: yes.
Comment: This variant is considered likely benign or benign based on one or more of the following criteria: it is a conservative change, it occurs at a poorly conserved position in the protein, it is predicted to be benign by multiple in silico algorithms, and/or has population frequency not consistent with disease.

NM_000548.5(TSC2):c.3554C>T (p.Ala1185Val)

Gene: TSC2 (TSC complex subunit 2; plus strand). Cytogenetic location: 16p13.3.
Variant type: single nucleotide variant.
Coding change: c.3554C>T on transcript NM_000548.5 (MANE Select); coding-DNA position 3554, C replaced by T.
Protein change: p.Ala1185Val; replaces alanine 1185 with valine.
Molecular consequence: missense variant.
Genome position (GRCh38, 1-based): chr16:2,080,321, C>T. VCF-style: chr16-2080321-C-T. GRCh37 (hg19) VCF-style: chr16-2130322-C-T.
Other names: c.3422C>T, p.Ala1141Val (NM_001077183.3, NM_001370404.1); c.3554C>T, p.Ala1185Val (NM_001114382.3); c.3314C>T, p.Ala1105Val (NM_001318827.2); c.3278C>T, p.Ala1093Val (NM_001318829.2); c.2822C>T, p.Ala941Val (NM_001318831.2); c.3455C>T, p.Ala1152Val (NM_001318832.2); c.3425C>T, p.Ala1142Val (NM_001363528.2, NM_001370405.1, NM_021055.3); short protein forms A1185V, A1152V, A1105V, A1141V, A1093V, A941V, A1142V.
Identifiers: ClinVar variation 384002 (VCV000384002.13), dbSNP rs1057521812, ClinGen allele CA16607153.
Genomic context (GRCh38, chr16:2,080,321, plus strand): 5'-AACCTGAGAAGGCCTCAGCTGGCACCCGGGTTCCTGTGCAGGAGAAGACGAACCTGGCGG[C>T]CTATGTGCCCCTGCTGACCCAGGGCTGGGCGGAGATCCTGGTCCGGAGGCCCACAGGTAC-3'
Protein context (NP_000539.2, residues 1175-1195): VPVQEKTNLA[Ala1185Val]YVPLLTQGWA